The following is an entry in ClinVar:

NM_024757.5(EHMT1):c.982G>C (p.Gly328Arg)

Gene: EHMT1 (euchromatic histone lysine methyltransferase 1; plus strand). Cytogenetic location: 9q34.3.
Variant type: single nucleotide variant.
Coding change: c.982G>C on transcript NM_024757.5 (MANE Select); coding-DNA position 982, G replaced by C.
Protein change: p.Gly328Arg; replaces glycine 328 with arginine.
Molecular consequence: missense variant.
Genome position (GRCh38, 1-based): chr9:137,743,902, G>C. VCF-style: chr9-137743902-G-C. GRCh37 (hg19) VCF-style: chr9-140638354-G-C.
Other names: c.982G>C, p.Gly328Arg (NM_001145527.2, NM_001354611.2); c.889G>C, p.Gly297Arg (NM_001354259.2, NM_001354612.2); c.961G>C, p.Gly321Arg (NM_001354263.2); short protein forms G321R, G328R, G297R.
Identifiers: ClinVar variation 1361520 (VCV001361520.8), dbSNP rs762417944, ClinGen allele CA5374474.

ClinVar aggregate classification (germline): Uncertain significance (1 of 4 stars; one submission).

Conditions:
Kleefstra syndrome 1 (KLEFS1). Identifiers: Orphanet 261494, MedGen C0795833, MONDO:0027407, OMIM 610253.

gnomAD v4.1: 14 of 1,610,900 alleles (0.00087%); highest among the groups gnomAD compares: Admixed American, 0.0084%; no homozygotes.

Submission:

Labcorp Genetics (formerly Invitae), Labcorp
Classification: Uncertain significance for Kleefstra syndrome 1. Last evaluated: 2025-12-21. Review status: criteria provided, single submitter. Criteria: Invitae Variant Classification Sherloc (09022015). Collection method: clinical testing. Allele origin: germline.
Comment: This sequence change replaces glycine, which is neutral and non-polar, with arginine, which is basic and polar, at codon 328 of the EHMT1 protein (p.Gly328Arg). This variant is present in population databases (rs762417944, gnomAD 0.01%). This variant has not been reported in the literature in individuals affected with EHMT1-related conditions. ClinVar contains an entry for this variant (Variation ID: 1361520). An algorithm developed to predict the effect of missense changes on protein structure and function (PolyPhen-2) suggests that this variant is likely to be disruptive. In summary, the available evidence is currently insufficient to determine the role of this variant in disease. Therefore, it has been classified as a Variant of Uncertain Significance.